The following is an entry in ClinVar:

NM_000219.6(KCNE1):c.116A>G (p.Asp39Gly)

Gene: KCNE1 (potassium voltage-gated channel subfamily E regulatory subunit 1; minus strand). Cytogenetic location: 21q22.12.
Variant type: single nucleotide variant.
Coding change: c.116A>G on transcript NM_000219.6 (MANE Select); coding-DNA position 116, A replaced by G.
Protein change: p.Asp39Gly; replaces aspartic acid 39 with glycine.
Molecular consequence: missense variant.
Genome position (GRCh38, 1-based): chr21:34,449,519, T>C on the plus strand (A>G on the coding strand, the complement: KCNE1 is on the minus strand). VCF-style: chr21-34449519-T-C. GRCh37 (hg19) VCF-style: chr21-35821817-T-C.
Other names: c.116A>G, p.Asp39Gly (NM_001127668.4, NM_001127669.4, NM_001127670.4 and 4 more transcripts); short protein forms D39G.
Identifiers: ClinVar variation 3374086 (VCV003374086.2).

Conditions:
Long QT syndrome 5 (LQT5). Identifiers: Orphanet 101016, Orphanet 768, MedGen C1867904, MONDO:0013372, OMIM 613695.

Submission:

Roden Lab, Vanderbilt University Medical Center
No classification provided (evidence only). Condition: Long QT syndrome 5. Review status: no classification provided. Collection method: in vitro. Allele origin: not applicable. Functional consequence: Effect on ion channel function.
ClinVar note: "not provided" was previously submitted as the classification for the variant. However, the classification appeared to be based only on an observation of functional data so it was converted to no classification on 2025-07-30.